The following is an entry in ClinVar:

NM_002816.5(PSMD12):c.176A>G (p.Asp59Gly)

Gene: PSMD12 (proteasome 26S subunit, non-ATPase 12; minus strand). Cytogenetic location: 17q24.2.
Variant type: single nucleotide variant.
Coding change: c.176A>G on transcript NM_002816.5 (MANE Select); coding-DNA position 176, A replaced by G.
Protein change: p.Asp59Gly; replaces aspartic acid 59 with glycine.
Molecular consequence: missense variant. On other transcripts: 5 prime UTR variant (1).
Genome position (GRCh38, 1-based): chr17:67,357,424, T>C on the plus strand (A>G on the coding strand, the complement: PSMD12 is on the minus strand). VCF-style: chr17-67357424-T-C. GRCh37 (hg19) VCF-style: chr17-65353540-T-C.
Other names: c.-2A>G (NM_001316341.2); c.116A>G, p.Asp39Gly (NM_174871.4); short protein forms D39G, D59G.
Identifiers: ClinVar variation 2504884 (VCV002504884.1), dbSNP rs2509694023, ClinGen allele CA400805926.
Genomic context (GRCh38, chr17:67,357,424, plus strand): 5'-TCTTTAGCCTCATAGCACATCTTCACTACTGCAACTAAGATACGGGATGTCGATACCATA[T>C]CGGAAGCCTGTAAGGGTAAAAATATATTGAAAGTTAATGGAAGAATGTTCAATGAAATTA-3'
Protein context (NP_002807.1, residues 49-69): SLEKQTRTAS[Asp59Gly]MVSTSRILVA

ClinVar aggregate classification (germline): Uncertain significance (1 of 4 stars; one submission).

Submission:

GeneDx
Classification: Uncertain significance. Last evaluated: 2022-12-07. Review status: criteria provided, single submitter. Criteria: GeneDx Variant Classification Process June 2021. Collection method: clinical testing. Allele origin: germline. Affected: yes.
Comment: Not observed at significant frequency in large population cohorts (gnomAD); In silico analysis supports that this missense variant has a deleterious effect on protein structure/function; Has not been previously published as pathogenic or benign to our knowledge